The following is an entry in ClinVar:

ClinVar aggregate classification (germline): Uncertain significance (1 of 4 stars; one submission).

Conditions:
Rauch-Steindl syndrome (RAUST). Identifiers: Orphanet 659642, MedGen C5562061, MONDO:0859219, OMIM 619695.

gnomAD v4.1: 25 of 1,605,126 alleles (0.0016%); highest among the groups gnomAD compares: South Asian, 0.018%; no homozygotes.

Submission:

Juno Genomics, Hangzhou Juno Genomics, Inc
Classification: Uncertain significance for Rauch-Steindl syndrome. Review status: criteria provided, single submitter. Criteria: ACMG Guidelines, 2015. Collection method: clinical testing. Allele origin: germline.
Comment: Absent from controls (or at extremely low frequency if recessive) in Genome Aggregation Database.;Missense variant in a gene that has a low rate of benign missense variation.

NM_001042424.3(NSD2):c.4022C>A (p.Pro1341His)

Gene: NSD2 (nuclear receptor binding SET domain protein 2; plus strand). Cytogenetic location: 4p16.3.
Variant type: single nucleotide variant.
Coding change: c.4022C>A on transcript NM_001042424.3 (MANE Select); coding-DNA position 4022, C replaced by A.
Protein change: p.Pro1341His; replaces proline 1341 with histidine.
Molecular consequence: missense variant.
Genome position (GRCh38, 1-based): chr4:1,978,833, C>A. VCF-style: chr4-1978833-C-A. GRCh37 (hg19) VCF-style: chr4-1980560-C-A.
Other names: c.4022C>A, p.Pro1341His (NM_001440892.1, NM_133330.3, NM_133331.3 and 1 more transcripts); c.4121C>A, p.Pro1374His (NM_001440893.1); c.3905C>A, p.Pro1302His (NM_001440894.1); c.3875C>A, p.Pro1292His (NM_001440895.1); c.3821C>A, p.Pro1274His (NM_001440896.1); c.3815C>A, p.Pro1272His (NM_001440897.1); c.3698C>A, p.Pro1233His (NM_001440898.1); c.3053C>A, p.Pro1018His (NM_001440899.1, NM_001440900.1); short protein forms P1018H, P1233H, P1272H, P1274H, P1292H, P1302H, P1341H, P1374H.
Identifiers: ClinVar variation 5018823 (VCV005018823.2).